The following is an entry in ClinVar:

ClinVar aggregate classification (germline): Conflicting classifications of pathogenicity. Review status: criteria provided, conflicting classifications (1 of 4 stars). 5 submissions from 4 submitters: Uncertain significance (1); Benign (2); Likely benign (1). 1 of the submissions does not count toward it. Last evaluated 2025-11-23.

Conditions:
Wagner disease. Also called: WAGNER VITREORETINAL DEGENERATION; Wagner Vitreoretinal Degeneration (Wagner Synrdome); Wagner syndrome; HYALOIDEORETINAL DEGENERATION OF WAGNER; WAGNER VITREORETINOPATHY; WAGNER SYNDROME 1. Identifiers: Orphanet 898, MedGen C1840452, MONDO:0007740, OMIM 143200.
VCAN-related disorder. Also called: VCAN-related condition.
Vitreoretinopathy. Also called: Vitreoretinal degeneration. Identifiers: MedGen C0344290, MONDO:0020248, HP:0007773.

Allele frequency attached by ClinVar (database versions not stated): gnomAD 0.00021 and 0.00022; gnomAD exomes 0.00022 and 0.00036; TOPMed 0.00025; ExAC 0.00026; ESP Exome Variant Server 0.00054.
gnomAD v4.1: 553 of 1,613,764 alleles (0.034%); highest among the groups gnomAD compares: Non-Finnish European, 0.045%; 2 homozygotes.

Submissions (5):

Labcorp Genetics (formerly Invitae), Labcorp
Classification: Uncertain significance. Last evaluated: 2025-11-23. Review status: criteria provided, single submitter. Criteria: Invitae Variant Classification Sherloc (09022015). Collection method: clinical testing. Allele origin: germline.
Comment: This sequence change replaces asparagine, which is neutral and polar, with serine, which is neutral and polar, at codon 3253 of the VCAN protein (p.Asn3253Ser). This variant is present in population databases (rs141195210, gnomAD 0.03%), and has an allele count higher than expected for a pathogenic variant. This variant has not been reported in the literature in individuals affected with VCAN-related conditions. ClinVar contains an entry for this variant (Variation ID: 904379). An algorithm developed to predict the effect of missense changes on protein structure and function (PolyPhen-2) suggests that this variant is likely to be disruptive. In summary, the available evidence is currently insufficient to determine the role of this variant in disease. Therefore, it has been classified as a Variant of Uncertain Significance.

Blueprint Genetics
Classification: Likely benign. Last evaluated: 2024-11-15. Review status: criteria provided, single submitter. Criteria: ACMG Guidelines, 2015. Collection method: clinical testing. Allele origin: germline.

Illumina Laboratory Services, Illumina
Classification: Benign for Vitreoretinopathy. Last evaluated: 2018-01-12. Review status: criteria provided, single submitter. Criteria: ICSL Variant Classification Criteria 13 December 2019. Collection method: clinical testing. Allele origin: germline.
Comment: This variant was observed in the ICSL laboratory as part of a predisposition screen in an ostensibly healthy population. It had not been previously curated by ICSL or reported in the Human Gene Mutation Database (HGMD: prior to June 1st, 2018), and was therefore a candidate for classification through an automated scoring system. Utilizing variant allele frequency, disease prevalence and penetrance estimates, and inheritance mode, an automated score was calculated to assess if this variant is too frequent to cause the disease. Based on the score and internal cut-off values, a variant classified as benign is not then subjected to further curation. The score for this variant resulted in a classification of benign for this disease.

Illumina Laboratory Services, Illumina
Classification: Benign for Wagner disease. Last evaluated: 2018-01-12. Review status: criteria provided, single submitter. Criteria: ICSL Variant Classification Criteria 13 December 2019. Collection method: clinical testing. Allele origin: germline.
Comment: the same text as in the submission from Illumina Laboratory Services, Illumina above.

PreventionGenetics, part of Exact Sciences
Classification: Likely benign for VCAN-related condition. Last evaluated: 2020-07-20. Review status: no assertion criteria provided. Collection method: clinical testing. Allele origin: germline. Not counted in ClinVar's aggregate classification.
Comment: This variant is classified as likely benign based on ACMG/AMP sequence variant interpretation guidelines (Richards et al. 2015 PMID: 25741868, with internal and published modifications).

NM_004385.5(VCAN):c.9758A>G (p.Asn3253Ser)

Gene: VCAN (versican; plus strand). Cytogenetic location: 5q14.3.
Variant type: single nucleotide variant.
Coding change: c.9758A>G on transcript NM_004385.5 (MANE Select); coding-DNA position 9758, A replaced by G.
Protein change: p.Asn3253Ser; replaces asparagine 3253 with serine.
Molecular consequence: missense variant.
Genome position (GRCh38, 1-based): chr5:83,572,438, A>G. VCF-style: chr5-83572438-A-G. GRCh37 (hg19) VCF-style: chr5-82868257-A-G.
Other names: c.1535A>G, p.Asn512Ser (NM_001126336.3); c.6797A>G, p.Asn2266Ser (NM_001164097.2); c.4496A>G, p.Asn1499Ser (NM_001164098.2); short protein forms N1499S, N2266S, N3253S, N512S.
Identifiers: ClinVar variation 904379 (VCV000904379.14), dbSNP rs141195210, ClinGen allele CA3334094.
Genomic context (GRCh38, chr5:83,572,438, plus strand): 5'-GACTAGCAAGTAGTTACCTTCTCCCTCCATTTTTACAGCAATACGAGAATTGGAGACCCA[A>G]CCAGCCAGACAGCTTCTTTTCTGCTGGAGAAGACTGTGTTGTAATCATTTGGCATGAGAA-3'
Protein context (NP_004376.2, residues 3243-3263): STLQYENWRP[Asn3253Ser]QPDSFFSAGE